The following is an entry in ClinVar:

NM_002742.3(PRKD1):c.105C>T (p.Pro35=)

Gene: PRKD1 (protein kinase D1; minus strand). Cytogenetic location: 14q12.
Variant type: single nucleotide variant.
Coding change: c.105C>T on transcript NM_002742.3 (MANE Select); coding-DNA position 105, C replaced by T.
Protein change: p.Pro35=; no amino-acid change (proline 35 retained).
Molecular consequence: synonymous variant.
Genome position (GRCh38, 1-based): chr14:29,927,408, G>A on the plus strand (C>T on the coding strand, the complement: PRKD1 is on the minus strand). VCF-style: chr14-29927408-G-A. GRCh37 (hg19) VCF-style: chr14-30396614-G-A.
Other names: c.105C>T, p.Pro35= (NM_001330069.2).
Identifiers: ClinVar variation 731013 (VCV000731013.30), dbSNP rs200093824, ClinGen allele CA7141579.

ClinVar aggregate classification (germline): Benign/Likely benign. Review status: criteria provided, multiple submitters, no conflicts (2 of 4 stars). 4 submissions from 4 submitters: Benign (2); Likely benign (2). Last evaluated 2025-07-01.

Allele frequency attached by ClinVar (database versions not stated): 1000 Genomes Project 0.00040; 1000 Genomes Project 30x 0.00047; ESP Exome Variant Server 0.00093; TOPMed 0.00111; gnomAD 0.00117 and 0.00122; ExAC 0.00313.
gnomAD v4.1: 3,114 of 1,503,708 alleles (0.21%); highest among the groups gnomAD compares: Non-Finnish European, 0.26%; 6 homozygotes.

Submissions (4):

CeGaT Center for Human Genetics Tuebingen
Classification: Likely benign. Last evaluated: 2025-07-01. Review status: criteria provided, single submitter. Criteria: CeGaT Center For Human Genetics Tuebingen Variant Classification Criteria Version 2. Collection method: clinical testing. Allele origin: germline. Affected: yes. Observed: 3 variant alleles.
Comment: PRKD1: BP4, BP7

Blueprint Genetics
Classification: Likely benign. Last evaluated: 2024-10-07. Review status: criteria provided, single submitter. Criteria: ACMG Guidelines, 2015. Collection method: clinical testing. Allele origin: germline.

Labcorp Genetics (formerly Invitae), Labcorp
Classification: Benign. Last evaluated: 2019-12-31. Review status: criteria provided, single submitter. Criteria: Invitae Variant Classification Sherloc (09022015). Collection method: clinical testing. Allele origin: germline.

Breakthrough Genomics
Classification: Benign. Review status: criteria provided, single submitter. Criteria: ACMG Guidelines, 2015. Collection method: not provided. Allele origin: germline. Inheritance: Autosomal dominant inheritance. Affected: yes.